The following is an entry in ClinVar:

NM_001148.6(ANK2):c.7805A>G (p.Glu2602Gly)

Genes: ANK2 (ankyrin 2; plus strand), LOC126807137 (CDK7 strongly-dependent group 2 enhancer GRCh37_chr4:114276560-114277759; plus strand). Cytogenetic location: 4q26.
Variant type: single nucleotide variant.
Coding change: c.7805A>G on transcript NM_001148.6 (MANE Select); coding-DNA position 7805, A replaced by G.
Protein change: p.Glu2602Gly; replaces glutamic acid 2602 with glycine.
Molecular consequence: missense variant. On other transcripts: intron variant (68).
Genome position (GRCh38, 1-based): chr4:113,356,423, A>G. VCF-style: chr4-113356423-A-G. GRCh37 (hg19) VCF-style: chr4-114277579-A-G.
Other names: c.7571A>G, p.Glu2524Gly (NM_001386142.1); c.4205A>G, p.Glu1402Gly (NM_001386166.1); c.7946A>G, p.Glu2649Gly (NM_001386174.1); c.7922A>G, p.Glu2641Gly (NM_001386175.1); c.4412-4400A>G (NM_001386186.2, NM_001386148.2); c.4214-4400A>G (NM_001354269.3); c.4292-4400A>G (NM_001386187.2); c.4253-4400A>G (NM_001386147.1); and 35 more; short protein forms E2524G, E2649G, E2602G, E1402G, E2641G.
Identifiers: ClinVar variation 2188620 (VCV002188620.6), dbSNP rs1435327705, ClinGen allele CA357932180.

ClinVar aggregate classification (germline): Uncertain significance. Review status: criteria provided, multiple submitters, no conflicts (2 of 4 stars). 2 submissions from 2 submitters: Uncertain significance (2). Last evaluated 2023-03-29.

Conditions:
Cardiovascular phenotype. Identifiers: MedGen CN230736.
Long QT syndrome (LQTS). Identifiers: MedGen C0023976, MeSH D008133, MONDO:0002442. Disease mechanism: loss of function. Inheritance: Various modes of inheritance.

Allele frequency attached by ClinVar (database versions not stated): gnomAD exomes below 0.00001; gnomAD 0.00001.
gnomAD v4.1: 4 of 1,614,070 alleles (0.00025%); highest among the groups gnomAD compares: Non-Finnish European, 0.00034%; no homozygotes.

Submissions (2):

Ambry Genetics
Classification: Uncertain significance for Cardiovascular phenotype. Last evaluated: 2023-03-29. Review status: criteria provided, single submitter. Criteria: Ambry Variant Classification Scheme 2023. Collection method: clinical testing. Allele origin: germline.
Comment: The p.E2602G variant (also known as c.7805A>G), located in coding exon 38 of the ANK2 gene, results from an A to G substitution at nucleotide position 7805. The glutamic acid at codon 2602 is replaced by glycine, an amino acid with similar properties. This amino acid position is conserved. In addition, the in silico prediction for this alteration is inconclusive. Since supporting evidence is limited at this time, the clinical significance of this alteration remains unclear.

Labcorp Genetics (formerly Invitae), Labcorp
Classification: Uncertain significance for Long QT syndrome. Last evaluated: 2022-05-04. Review status: criteria provided, single submitter. Criteria: Invitae Variant Classification Sherloc (09022015). Collection method: clinical testing. Allele origin: germline.
Comment: In summary, the available evidence is currently insufficient to determine the role of this variant in disease. Therefore, it has been classified as a Variant of Uncertain Significance. Algorithms developed to predict the effect of missense changes on protein structure and function are either unavailable or do not agree on the potential impact of this missense change (SIFT: "Deleterious"; PolyPhen-2: "Probably Damaging"; Align-GVGD: "Class C0"). This variant has not been reported in the literature in individuals affected with ANK2-related conditions. This variant is present in population databases (no rsID available, gnomAD 0.007%). This sequence change replaces glutamic acid, which is acidic and polar, with glycine, which is neutral and non-polar, at codon 2602 of the ANK2 protein (p.Glu2602Gly).